The following is an entry in ClinVar:

ClinVar aggregate classification (germline): Uncertain significance (1 of 4 stars; one submission).

Conditions:
Hereditary cancer-predisposing syndrome. Also called: Tumor predisposition; Hereditary Cancer Syndrome; Neoplastic Syndromes, Hereditary; Hereditary neoplastic syndrome. Identifiers: Orphanet 140162, MedGen C0027672, MeSH D009386, MONDO:0015356.

Submission:

Ambry Genetics
Classification: Uncertain significance for Hereditary cancer-predisposing syndrome. Last evaluated: 2024-08-14. Review status: criteria provided, single submitter. Criteria: Ambry Variant Classification Scheme 2023. Collection method: clinical testing. Allele origin: germline.
Comment: The p.S935A variant (also known as c.2803T>G), located in coding exon 4 of the MSH6 gene, results from a T to G substitution at nucleotide position 2803. The serine at codon 935 is replaced by alanine, an amino acid with similar properties. This amino acid position is not well conserved in available vertebrate species. In addition, this alteration is predicted to be tolerated by in silico analysis. Based on the available evidence, the clinical significance of this variant remains unclear.

NM_000179.3(MSH6):c.2803T>G (p.Ser935Ala)

Gene: MSH6 (mutS homolog 6; plus strand). Cytogenetic location: 2p16.3.
Variant type: single nucleotide variant.
Coding change: c.2803T>G on transcript NM_000179.3 (MANE Select); coding-DNA position 2803, T replaced by G.
Protein change: p.Ser935Ala; replaces serine 935 with alanine.
Molecular consequence: missense variant.
Genome position (GRCh38, 1-based): chr2:47,800,786, T>G. VCF-style: chr2-47800786-T-G. GRCh37 (hg19) VCF-style: chr2-48027925-T-G.
Other names: c.2413T>G, p.Ser805Ala (NM_001281492.2); c.1897T>G, p.Ser633Ala (NM_001281493.2, NM_001281494.2, NM_001406811.1 and 6 more transcripts); c.2899T>G, p.Ser967Ala (NM_001406795.1, NM_001406802.1); c.2803T>G, p.Ser935Ala (NM_001406796.1, NM_001406798.1, NM_001406800.1 and 2 more transcripts); c.2506T>G, p.Ser836Ala (NM_001406797.1, NM_001406801.1, NM_001406805.1 and 10 more transcripts); c.2278T>G, p.Ser760Ala (NM_001406799.1, NM_001406806.1, NM_001406807.1); c.2725T>G, p.Ser909Ala (NM_001406804.1); c.2809T>G, p.Ser937Ala (NM_001406813.1); and 2 more; short protein forms S879A, S935A, S633A, S250A, S909A, S937A, S760A, S805A.
Identifiers: ClinVar variation 1796243 (VCV001796243.3), dbSNP rs1669512980, ClinGen allele CA346755595.
Genomic context (GRCh38, chr2:47,800,786, plus strand): 5'-GCCTTTGACCATGAAAAGGCTCGAAAGACTGGACTTATTACTCCCAAAGCAGGCTTTGAC[T>G]CTGATTATGACCAAGCTCTTGCTGACATAAGAGAAAATGAACAGAGCCTCCTGGAATACC-3'
Protein context (NP_000170.1, residues 925-945): GLITPKAGFD[Ser935Ala]DYDQALADIR